The following is an entry in ClinVar:

ClinVar aggregate classification (germline): Likely benign. Review status: criteria provided, multiple submitters, no conflicts (2 of 4 stars). 3 submissions from 3 submitters: Likely benign (2). 1 of the submissions does not count toward it. Last evaluated 2025-09-07.

Conditions:
DOCK6-related disorder. Also called: DOCK6-related condition.

Allele frequency attached by ClinVar (database versions not stated): gnomAD 0.00001; gnomAD exomes 0.00001; TOPMed 0.00002; ExAC 0.00003; 1000 Genomes Project 30x 0.00016; 1000 Genomes Project 0.00020.
gnomAD v4.1: 30 of 1,613,726 alleles (0.0019%); highest among the groups gnomAD compares: East Asian, 0.02%; no homozygotes.

Submissions (3):

Labcorp Genetics (formerly Invitae), Labcorp
Classification: Likely benign. Last evaluated: 2025-09-07. Review status: criteria provided, single submitter. Criteria: Invitae Variant Classification Sherloc (09022015). Collection method: clinical testing. Allele origin: germline.

Blueprint Genetics
Classification: Likely benign. Last evaluated: 2023-10-30. Review status: criteria provided, single submitter. Criteria: ACMG Guidelines, 2015. Collection method: clinical testing. Allele origin: germline.

PreventionGenetics, part of Exact Sciences
Classification: Likely benign for DOCK6-related condition. Last evaluated: 2019-03-13. Review status: no assertion criteria provided. Collection method: clinical testing. Allele origin: germline. Not counted in ClinVar's aggregate classification.
Comment: This variant is classified as likely benign based on ACMG/AMP sequence variant interpretation guidelines (Richards et al. 2015 PMID: 25741868, with internal and published modifications).

NM_020812.4(DOCK6):c.633C>T (p.Ala211=)

Gene: DOCK6 (dedicator of cytokinesis 6; minus strand). Cytogenetic location: 19p13.2.
Variant type: single nucleotide variant.
Coding change: c.633C>T on transcript NM_020812.4 (MANE Select); coding-DNA position 633, C replaced by T.
Protein change: p.Ala211=; no amino-acid change (alanine 211 retained).
Molecular consequence: synonymous variant.
Genome position (GRCh38, 1-based): chr19:11,250,961, G>A on the plus strand (C>T on the coding strand, the complement: DOCK6 is on the minus strand). VCF-style: chr19-11250961-G-A. GRCh37 (hg19) VCF-style: chr19-11361637-G-A.
Other names: c.633C>T, p.Ala211= (NM_001367830.1); c.633C>T (NM_020812.3).
Identifiers: ClinVar variation 2055529 (VCV002055529.7), dbSNP rs199633083, ClinGen allele CA9208423.